The following is an entry in ClinVar:

NM_024700.4(SNIP1):c.1172AAG[1] (p.Glu392del)

Gene: SNIP1 (Smad nuclear interacting protein 1; minus strand). Cytogenetic location: 1p34.3.
Variant type: Microsatellite.
Coding change: c.1172AAG[1] on transcript NM_024700.4 (MANE Select); one copy of the 3-base unit AAG starting at c.1172; the reference has two copies in a row; one copy, 3 bases deleted.
Protein change: p.Glu392del; deletes glutamic acid 392.
Molecular consequence: inframe deletion.
Genome position (GRCh38, 1-based): chr1:37,537,762-37,537,764, CTT deleted on the plus strand (AAG on the coding strand, the reverse complement: SNIP1 is on the minus strand); deleting any 3 consecutive bases within chr1:37,537,762-37,537,768 gives the same sequence; the position shown is the placement nearest the transcript's 3' end. VCF-style (leftmost placement, unchanged base first): chr1-37537761-ACTT-A. GRCh37 (hg19) VCF-style: chr1-38003362-ACTT-A.
Other names: short protein forms E392del.
Identifiers: ClinVar variation 1468648 (VCV001468648.8), dbSNP rs761093271, ClinGen allele CA771203.

ClinVar aggregate classification (germline): Uncertain significance (1 of 4 stars; one submission).

Submission:

Labcorp Genetics (formerly Invitae), Labcorp
Classification: Uncertain significance. Last evaluated: 2021-01-08. Review status: criteria provided, single submitter. Criteria: Invitae Variant Classification Sherloc (09022015). Collection method: clinical testing. Allele origin: germline.
Comment: In summary, the available evidence is currently insufficient to determine the role of this variant in disease. Therefore, it has been classified as a Variant of Uncertain Significance. Experimental studies and prediction algorithms are not available or were not evaluated, and the functional significance of this variant is currently unknown. This variant has not been reported in the literature in individuals with SNIP1-related conditions. This variant is present in population databases (rs761093271, ExAC 0.003%). This variant, c.1175_1177del, results in the deletion of 1 amino acid(s) of the SNIP1 protein (p.Glu392del), but otherwise preserves the integrity of the reading frame.